The following is an entry in ClinVar:

NM_022124.6(CDH23):c.9278+15C>T

Gene: CDH23 (cadherin related 23; plus strand). Cytogenetic location: 10q22.1.
Variant type: single nucleotide variant.
Coding change: c.9278+15C>T on transcript NM_022124.6 (MANE Select); 15 bases into the intron after coding-DNA position 9278, C replaced by T.
Molecular consequence: intron variant.
Genome position (GRCh38, 1-based): chr10:71,811,605, C>T. VCF-style: chr10-71811605-C-T. GRCh37 (hg19) VCF-style: chr10-73571362-C-T.
Other names: c.2558+15C>T (NM_001171933.1, NM_001171934.1).
Identifiers: ClinVar variation 179266 (VCV000179266.7), dbSNP rs727504751, ClinGen allele CA184080.

ClinVar aggregate classification (germline): Likely benign. Review status: criteria provided, multiple submitters, no conflicts (2 of 4 stars). 2 submissions from 2 submitters: Likely benign (2). Last evaluated 2023-11-04.

Allele frequency attached by ClinVar (database versions not stated): gnomAD exomes 0.00001.
gnomAD v4.1: 3 of 1,613,906 alleles (0.00019%); highest among the groups gnomAD compares: Admixed American, 0.005%; no homozygotes.

Submissions (2):

Labcorp Genetics (formerly Invitae), Labcorp
Classification: Likely benign. Last evaluated: 2023-11-04. Review status: criteria provided, single submitter. Criteria: Invitae Variant Classification Sherloc (09022015). Collection method: clinical testing. Allele origin: germline.

Laboratory for Molecular Medicine, Mass General Brigham Personalized Medicine
Classification: Likely benign. Last evaluated: 2013-10-17. Review status: criteria provided, single submitter. Criteria: LMM Criteria. Collection method: clinical testing. Allele origin: germline. Observed: 1 variant allele.
Comment: 9278+15C>T in Intron 64 of CDH23: This variant is not expected to have clinical significance because it is not located within the splice consensus sequence and is not predicted to alter splicing.